The following is an entry in ClinVar:

ClinVar aggregate classification (germline): Uncertain significance (1 of 4 stars; one submission).

Conditions:
Baller-Gerold syndrome (BGS). Also called: CRANIOSYNOSTOSIS WITH RADIAL DEFECTS. Identifiers: Orphanet 1225, MedGen C0265308, MONDO:0009039, OMIM 218600.

Allele frequency attached by ClinVar (database versions not stated): gnomAD exomes below 0.00001 and 0.00003; ExAC 0.00001; gnomAD 0.00001; TOPMed 0.00001; ESP Exome Variant Server 0.00008.
gnomAD v4.1: 45 of 1,610,198 alleles (0.0028%); highest among the groups gnomAD compares: Non-Finnish European, 0.0037%; no homozygotes.

Submission:

Labcorp Genetics (formerly Invitae), Labcorp
Classification: Uncertain significance for Baller-Gerold syndrome. Last evaluated: 2023-03-29. Review status: criteria provided, single submitter. Criteria: Invitae Variant Classification Sherloc (09022015). Collection method: clinical testing. Allele origin: germline.
Comment: In summary, the available evidence is currently insufficient to determine the role of this variant in disease. Therefore, it has been classified as a Variant of Uncertain Significance. This sequence change replaces valine, which is neutral and non-polar, with isoleucine, which is neutral and non-polar, at codon 729 of the RECQL4 protein (p.Val729Ile). This variant is present in population databases (rs376141829, gnomAD 0.0009%). This variant has not been reported in the literature in individuals affected with RECQL4-related conditions. ClinVar contains an entry for this variant (Variation ID: 1004200). Advanced modeling of protein sequence and biophysical properties (such as structural, functional, and spatial information, amino acid conservation, physicochemical variation, residue mobility, and thermodynamic stability) performed at Invitae indicates that this missense variant is not expected to disrupt RECQL4 protein function.

NM_004260.4(RECQL4):c.2185G>A (p.Val729Ile)

Gene: RECQL4 (RecQ like helicase 4; minus strand). Cytogenetic location: 8q24.3.
Variant type: single nucleotide variant.
Coding change: c.2185G>A on transcript NM_004260.4 (MANE Select); coding-DNA position 2185, G replaced by A.
Protein change: p.Val729Ile; replaces valine 729 with isoleucine.
Molecular consequence: missense variant.
Genome position (GRCh38, 1-based): chr8:144,513,586, C>T on the plus strand (G>A on the coding strand, the complement: RECQL4 is on the minus strand). VCF-style: chr8-144513586-C-T. GRCh37 (hg19) VCF-style: chr8-145738970-C-T.
Other names: short protein forms V729I.
Identifiers: ClinVar variation 1004200 (VCV001004200.4), dbSNP rs376141829, ClinGen allele CA4948428.
Genomic context (GRCh38, chr8:144,513,586, plus strand): 5'-GCCCAAGGTGGGTCCACGGGGACACCAGCTCTGTCCATGCCGCACCTCCAGACCCTGGGA[C>T]CCAGGCTGCGTGCAGGCAGGTTCGGAGGAGCGCAGCGATCCGCTCTGTGTCCTCGCGCCG-3'
Protein context (NP_004251.4, residues 719-739): LLRTCLHAAW[Val729Ile]PGSGGRAPKT